The following is an entry in ClinVar:

ClinVar aggregate classification (germline): Uncertain significance (1 of 4 stars; one submission).

Conditions:
Multiple endocrine neoplasia, type 2 (MEN2). Identifiers: Orphanet 653, MedGen C4048306, MONDO:0019003. Disease mechanism: gain of function.

Submission:

Color Diagnostics, LLC DBA Color Health
Classification: Uncertain significance for Multiple endocrine neoplasia, type 2. Last evaluated: 2025-06-03. Review status: criteria provided, single submitter. Criteria: ACMG Guidelines, 2015. Collection method: clinical testing. Allele origin: germline.
Comment: This missense variant replaces alanine with valine at codon 306 of the RET protein. Computational prediction suggests that this variant may not impact protein structure and function. To our knowledge, functional studies have not been reported for this variant. This variant has not been reported in individuals affected with RET-related disorders in the literature. This variant has not been identified in the general population by the Genome Aggregation Database (gnomAD). The available evidence is insufficient to determine the role of this variant in disease conclusively. Therefore, this variant is classified as a Variant of Uncertain Significance.

NM_020975.6(RET):c.917C>T (p.Ala306Val)

Gene: RET (ret proto-oncogene; plus strand). Cytogenetic location: 10q11.21.
Variant type: single nucleotide variant.
Coding change: c.917C>T on transcript NM_020975.6 (MANE Select); coding-DNA position 917, C replaced by T.
Protein change: p.Ala306Val; replaces alanine 306 with valine.
Molecular consequence: missense variant. On other transcripts: intron variant (25).
Genome position (GRCh38, 1-based): chr10:43,106,425, C>T. VCF-style: chr10-43106425-C-T. GRCh37 (hg19) VCF-style: chr10-43601873-C-T.
Other names: c.496+3796C>T (NM_001406783.1, NM_001406786.1); c.338-2606C>T (NM_001406778.1, NM_001406775.1, NM_001406776.1 and 1 more transcripts); c.338-5674C>T (NM_001406790.1, NM_001406788.1, NM_001406789.1 and 1 more transcripts); c.74-2606C>T (NM_001406784.1); c.74-5674C>T (NM_001406794.1, NM_001406792.1, NM_001406793.1); c.155C>T, p.Ala52Val (NM_001355216.2); c.917C>T, p.Ala306Val (NM_001406743.1, NM_001406744.1, NM_001406759.1 and 4 more transcripts); c.788C>T, p.Ala263Val (NM_001406761.1, NM_001406762.1, NM_001406764.1 and 1 more transcripts); and 5 more; short protein forms A210V, A263V, A306V, A52V.
Identifiers: ClinVar variation 4756742 (VCV004756742.1).